The following is an entry in ClinVar:

ClinVar aggregate classification (germline): Uncertain significance (1 of 4 stars; one submission).

Submission:

Labcorp Genetics (formerly Invitae), Labcorp
Classification: Uncertain significance. Last evaluated: 2025-10-02. Review status: criteria provided, single submitter. Criteria: Invitae Variant Classification Sherloc (09022015). Collection method: clinical testing. Allele origin: germline.
Comment: This sequence change replaces alanine, which is neutral and non-polar, with threonine, which is neutral and polar, at codon 45 of the ARID1A protein (p.Ala45Thr). The frequency data for this variant in the population databases is considered unreliable, as metrics indicate insufficient coverage at this position in the gnomAD database. This variant has not been reported in the literature in individuals affected with ARID1A-related conditions. ClinVar contains an entry for this variant (Variation ID: 2794033). Invitae Evidence Modeling of protein sequence and biophysical properties (such as structural, functional, and spatial information, amino acid conservation, physicochemical variation, residue mobility, and thermodynamic stability) indicates that this missense variant is not expected to disrupt ARID1A protein function with a negative predictive value of 95%. In summary, the available evidence is currently insufficient to determine the role of this variant in disease. Therefore, it has been classified as a Variant of Uncertain Significance.

NM_006015.6(ARID1A):c.133G>A (p.Ala45Thr)

Gene: ARID1A (AT-rich interaction domain 1A; plus strand). Cytogenetic location: 1p36.11.
Variant type: single nucleotide variant.
Coding change: c.133G>A on transcript NM_006015.6 (MANE Select); coding-DNA position 133, G replaced by A.
Protein change: p.Ala45Thr; replaces alanine 45 with threonine.
Molecular consequence: missense variant.
Genome position (GRCh38, 1-based): chr1:26,696,536, G>A. VCF-style: chr1-26696536-G-A. GRCh37 (hg19) VCF-style: chr1-27023027-G-A.
Other names: c.133G>A, p.Ala45Thr (NM_139135.4); short protein forms A45T.
Identifiers: ClinVar variation 2794033 (VCV002794033.3), dbSNP rs2124740346, ClinGen allele CA339264464.